The following is an entry in ClinVar:

ClinVar aggregate classification (germline): Benign (1 of 4 stars; one submission).

Allele frequency attached by ClinVar (database versions not stated): gnomAD exomes 0.21771; gnomAD 0.33930 and 0.34742; 1000 Genomes Project 0.35224; TOPMed 0.35261; 1000 Genomes Project 30x 0.36259.
gnomAD v4.1: 196,366 of 815,796 alleles (24%); highest among the groups gnomAD compares: African/African-American, 69%; 30,995 homozygotes.

Submission:

GeneDx
Classification: Benign. Last evaluated: 2018-06-14. Review status: criteria provided, single submitter. Criteria: GeneDx Variant Classification (06012015). Collection method: clinical testing. Allele origin: germline. Affected: yes.
Comment: This variant is considered likely benign or benign based on one or more of the following criteria: it is a conservative change, it occurs at a poorly conserved position in the protein, it is predicted to be benign by multiple in silico algorithms, and/or has population frequency not consistent with disease.

NM_000426.4(LAMA2):c.909+95A>T

Gene: LAMA2 (laminin subunit alpha 2; plus strand). Cytogenetic location: 6q22.33.
Variant type: single nucleotide variant.
Coding change: c.909+95A>T on transcript NM_000426.4 (MANE Select); 95 bases into the intron after coding-DNA position 909, A replaced by T.
Molecular consequence: intron variant.
Genome position (GRCh38, 1-based): chr6:129,147,143, A>T. VCF-style: chr6-129147143-A-T. GRCh37 (hg19) VCF-style: chr6-129468288-A-T.
Other names: c.909+95A>T (NM_001079823.2).
Identifiers: ClinVar variation 682907 (VCV000682907.1), dbSNP rs2279165, ClinGen allele CA12207913.